The following is an entry in ClinVar:

ClinVar aggregate classification (germline): Uncertain significance (1 of 4 stars; one submission).

gnomAD v4.1: 2 of 1,613,758 alleles (0.00012%); highest among the groups gnomAD compares: Non-Finnish European, 0.00017%; no homozygotes.

Submission:

Dasa
Classification: Uncertain significance. Last evaluated: 2026-04-28. Review status: criteria provided, single submitter. Criteria: DASA Assertion Criteria. Collection method: clinical testing. Allele origin: germline.
Comment: NM_003126.4(SPTA1):c.4928G>A (p.Gly1643Glu) is a missense variant that results in the substitution of glycine with glutamic acid. This variant has been observed in affected individuals with SPTA1-related disorders. Also, this variant is rare in population databases. Computational prediction algorithms are consistent with a benign effect. The currently available literature and clinical evidence are not sufficient to establish a definitive association between this variant and the reported condition. Therefore, this variant is classified as a variant of uncertain significance.

NM_003126.4(SPTA1):c.4928G>A (p.Gly1643Glu)

Gene: SPTA1 (spectrin alpha, erythrocytic 1; minus strand). Cytogenetic location: 1q23.1.
Variant type: single nucleotide variant.
Coding change: c.4928G>A on transcript NM_003126.4 (MANE Select); coding-DNA position 4928, G replaced by A.
Protein change: p.Gly1643Glu; replaces glycine 1643 with glutamic acid.
Molecular consequence: missense variant.
Genome position (GRCh38, 1-based): chr1:158,639,634, C>T on the plus strand (G>A on the coding strand, the complement: SPTA1 is on the minus strand). VCF-style: chr1-158639634-C-T. GRCh37 (hg19) VCF-style: chr1-158609424-C-T.
Other names: short protein forms G1643E.
Identifiers: ClinVar variation 4881601 (VCV004881601.2).